The following is an entry in ClinVar:

NM_000548.5(TSC2):c.3952_3961del (p.Glu1318fs)

Gene: TSC2 (TSC complex subunit 2; plus strand). Cytogenetic location: 16p13.3.
Variant type: Deletion.
Coding change: c.3952_3961del on transcript NM_000548.5 (MANE Select); coding-DNA positions 3952 to 3961, 10 bases deleted (GAGGACGTTG; older notation c.3952_3961delGAGGACGTTG).
Protein change: p.Glu1318fs; shifts the reading frame from glutamic acid 1318.
Molecular consequence: frameshift variant.
Genome position (GRCh38, 1-based): chr16:2,083,763-2,083,772, GAGGACGTTG deleted; deleting any 10 consecutive bases within chr16:2,083,759-2,083,772 gives the same sequence; the c. name uses the placement nearest the transcript's 3' end. VCF-style (leftmost placement, unchanged base first): chr16-2083758-GGTTGGAGGAC-G. GRCh37 (hg19) VCF-style: chr16-2133759-GGTTGGAGGAC-G.
Other names: c.3751_3760del, p.Glu1251fs (NM_001077183.3); c.3883_3892del, p.Glu1295fs (NM_001114382.3); c.3643_3652del, p.Glu1215fs (NM_001318827.2); c.3607_3616del, p.Glu1203fs (NM_001318829.2); c.3220_3229del, p.Glu1074fs (NM_001318831.2); c.3784_3793del, p.Glu1262fs (NM_001318832.2); c.3754_3763del, p.Glu1252fs (NM_001363528.2); c.3820_3829del, p.Glu1274fs (NM_001370404.1); and 1 more; short protein forms E1074fs, E1252fs, E1295fs, E1251fs, E1275fs, E1203fs, E1215fs, E1262fs.
Identifiers: ClinVar variation 65348 (VCV000065348.3), dbSNP rs397515260, ClinGen allele CA019725.

ClinVar aggregate classification (germline): Pathogenic. Review status: criteria provided, single submitter (1 of 4 stars). 2 submissions from 2 submitters: Pathogenic (1). 1 of the submissions does not count toward it. Last evaluated 2025-04-02.

Conditions:
Tuberous sclerosis syndrome (TSC). Also called: Tuberous Sclerosis Complex; Tuberous sclerosis. Identifiers: Orphanet 805, MedGen C0041341, MONDO:0001734.

Submissions (2):

GeneDx
Classification: Pathogenic. Last evaluated: 2025-04-02. Review status: criteria provided, single submitter. Criteria: GeneDx Variant Classification Process June 2021. Collection method: clinical testing. Allele origin: germline. Affected: yes.
Comment: Frameshift variant predicted to result in protein truncation or nonsense mediated decay in a gene for which loss of function is a known mechanism of disease; Not observed at significant frequency in large population cohorts (gnomAD); This variant is associated with the following publications: (PMID: 27406250)

Tuberous sclerosis database (TSC2)
No classification provided. Condition: TSC. Review status: no classification provided. Criteria: Tuberous Sclerosis Database Assertion Criteria 2015. Collection method: curation. Allele origin: germline. Affected: yes. Not counted in ClinVar's aggregate classification.